The following is an entry in ClinVar:

ClinVar aggregate classification (germline): Uncertain significance (1 of 4 stars; one submission).

Conditions:
Inborn genetic diseases. Identifiers: MedGen C0950123, MeSH D030342.

Allele frequency attached by ClinVar (database versions not stated): gnomAD exomes below 0.00001.

Submission:

Ambry Genetics
Classification: Uncertain significance for Inborn genetic diseases. Last evaluated: 2023-03-15. Review status: criteria provided, single submitter. Criteria: Ambry Variant Classification Scheme 2023. Collection method: clinical testing. Allele origin: germline.
Comment: The p.T974A variant (also known as c.2920A>G), located in coding exon 14 of the ATR gene, results from an A to G substitution at nucleotide position 2920. The threonine at codon 974 is replaced by alanine, an amino acid with similar properties. This amino acid position is conserved. In addition, this alteration is predicted to be tolerated by in silico analysis. Since supporting evidence is limited at this time, the clinical significance of this alteration remains unclear.

NM_001184.4(ATR):c.2920A>G (p.Thr974Ala)

Gene: ATR (ATR checkpoint kinase; minus strand). Cytogenetic location: 3q23.
Variant type: single nucleotide variant.
Coding change: c.2920A>G on transcript NM_001184.4 (MANE Select); coding-DNA position 2920, A replaced by G.
Protein change: p.Thr974Ala; replaces threonine 974 with alanine.
Molecular consequence: missense variant.
Genome position (GRCh38, 1-based): chr3:142,550,188, T>C on the plus strand (A>G on the coding strand, the complement: ATR is on the minus strand). VCF-style: chr3-142550188-T-C. GRCh37 (hg19) VCF-style: chr3-142269030-T-C.
Other names: c.2728A>G, p.Thr910Ala (NM_001354579.2); short protein forms T910A, T974A.
Identifiers: ClinVar variation 2567773 (VCV002567773.2), dbSNP rs1187410539, ClinGen allele CA354812740.